The following is an entry in ClinVar:

NM_004153.4(ORC1):c.1822del (p.Arg608fs)

Gene: ORC1 (origin recognition complex subunit 1; minus strand). Cytogenetic location: 1p32.3.
Variant type: Deletion.
Coding change: c.1822del on transcript NM_004153.4 (MANE Select); coding-DNA position 1822, one base deleted (C; older notation c.1822delC).
Protein change: p.Arg608fs; shifts the reading frame from arginine 608.
Molecular consequence: frameshift variant.
Genome position (GRCh38, 1-based): chr1:52,383,871, G deleted on the plus strand (C on the coding strand, the reverse complement: ORC1 is on the minus strand); the first of 3 consecutive G bases (chr1:52,383,871-52,383,873); deleting any one gives the same sequence. VCF-style (leftmost placement, unchanged base first): chr1-52383870-CG-C. GRCh37 (hg19) VCF-style: chr1-52849542-CG-C.
Other names: c.1822del, p.Arg608fs (NM_001190818.2); c.1807del, p.Arg603fs (NM_001190819.2); short protein forms R603fs, R608fs.
Identifiers: ClinVar variation 5001626 (VCV005001626.1).

ClinVar aggregate classification (germline): Likely pathogenic (1 of 4 stars; one submission).

Conditions:
ORC1-related disorder. Also called: ORC1-related condition.

Submission:

PreventionGenetics, part of Exact Sciences
Classification: Likely pathogenic for ORC1-related condition. Last evaluated: 2024-11-30. Review status: criteria provided, single submitter. Criteria: ACMG Guidelines, 2015. Collection method: clinical testing. Allele origin: germline.
Comment: The ORC1 c.1822delC variant is predicted to result in a frameshift and premature protein termination (p.Arg608Glufs*25). To our knowledge, this variant has not been reported in the literature. This variant is reported in 0.0080% of alleles in individuals of African descent in gnomAD. Frameshift variants in ORC1 are expected to be pathogenic. This variant is interpreted as likely pathogenic.